The following is an entry in ClinVar:

NM_000501.4(ELN):c.1155del (p.Arg386fs)

Gene: ELN (elastin; plus strand). Cytogenetic location: 7q11.23.
Variant type: Deletion.
Coding change: c.1155del on transcript NM_000501.4 (MANE Select); coding-DNA position 1155, one base deleted (C; older notation c.1155delC).
Protein change: p.Arg386fs; shifts the reading frame from arginine 386.
Molecular consequence: frameshift variant.
Genome position (GRCh38, 1-based): chr7:74,056,275, C deleted; the last of 2 consecutive C bases (chr7:74,056,274-74,056,275); deleting either gives the same sequence. VCF-style (leftmost placement, unchanged base first): chr7-74056273-GC-G. GRCh37 (hg19) VCF-style: chr7-73470603-GC-G.
Other names: c.1125del, p.Arg376fs (NM_001081752.3, NM_001278917.2); c.1170del, p.Arg391fs (NM_001081753.3, NM_001081754.3); c.1155del, p.Arg386fs (NM_001081755.3, NM_001278912.2, NM_001278915.2 and 1 more transcripts); c.1047del, p.Arg350fs (NM_001278913.2); c.1140del, p.Arg381fs (NM_001278914.2); c.1113del, p.Arg372fs (NM_001278916.2); c.1023del, p.Arg342fs (NM_001278918.2); short protein forms R372fs, R386fs, R381fs, R342fs, R350fs, R376fs, R391fs.
Identifiers: ClinVar variation 3650729 (VCV003650729.2).

ClinVar aggregate classification (germline): Pathogenic (1 of 4 stars; one submission).

Conditions:
Supravalvar aortic stenosis (SVAS). Also called: Supravalvar aortic stenosis, Eisenberg type. Identifiers: Orphanet 3193, MedGen C0003499, MONDO:0008504, OMIM 185500, HP:0004381.

Submission:

Labcorp Genetics (formerly Invitae), Labcorp
Classification: Pathogenic for Supravalvar aortic stenosis. Last evaluated: 2024-05-21. Review status: criteria provided, single submitter. Criteria: Invitae Variant Classification Sherloc (09022015). Collection method: clinical testing. Allele origin: germline.
Comment: This sequence change creates a premature translational stop signal (p.Arg386Glyfs*78) in the ELN gene. It is expected to result in an absent or disrupted protein product. Loss-of-function variants in ELN are known to be pathogenic (PMID: 11175284). This variant is not present in population databases (gnomAD no frequency). This variant has not been reported in the literature in individuals affected with ELN-related conditions. For these reasons, this variant has been classified as Pathogenic.

Literature cited by the submitters: PubMed 11175284.